The following is an entry in ClinVar:

NM_005879.3(TRAIP):c.695C>T (p.Ser232Phe)

Gene: TRAIP (TRAF interacting protein; minus strand). Cytogenetic location: 3p21.31.
Variant type: single nucleotide variant.
Coding change: c.695C>T on transcript NM_005879.3 (MANE Select); coding-DNA position 695, C replaced by T.
Protein change: p.Ser232Phe; replaces serine 232 with phenylalanine.
Molecular consequence: missense variant.
Genome position (GRCh38, 1-based): chr3:49,840,995, G>A on the plus strand (C>T on the coding strand, the complement: TRAIP is on the minus strand). VCF-style: chr3-49840995-G-A. GRCh37 (hg19) VCF-style: chr3-49878428-G-A.
Other names: short protein forms S232F.
Identifiers: ClinVar variation 1951937 (VCV001951937.4), dbSNP rs1278076514, ClinGen allele CA352833316.

ClinVar aggregate classification (germline): Uncertain significance (1 of 4 stars; one submission).

Allele frequency attached by ClinVar (database versions not stated): gnomAD exomes below 0.00001; gnomAD 0.00001.

Submission:

Labcorp Genetics (formerly Invitae), Labcorp
Classification: Uncertain significance. Last evaluated: 2024-10-16. Review status: criteria provided, single submitter. Criteria: Invitae Variant Classification Sherloc (09022015). Collection method: clinical testing. Allele origin: germline.
Comment: This sequence change replaces serine, which is neutral and polar, with phenylalanine, which is neutral and non-polar, at codon 232 of the TRAIP protein (p.Ser232Phe). This variant is present in population databases (no rsID available, gnomAD 0.003%). This variant has not been reported in the literature in individuals affected with TRAIP-related conditions. ClinVar contains an entry for this variant (Variation ID: 1951937). An algorithm developed to predict the effect of missense changes on protein structure and function (PolyPhen-2) suggests that this variant is likely to be tolerated. In summary, the available evidence is currently insufficient to determine the role of this variant in disease. Therefore, it has been classified as a Variant of Uncertain Significance.